The following is an entry in ClinVar:

NM_032043.3(BRIP1):c.786G>T (p.Glu262Asp)

Gene: BRIP1 (BRCA1 interacting DNA helicase 1; minus strand). Cytogenetic location: 17q23.2.
Variant type: single nucleotide variant.
Coding change: c.786G>T on transcript NM_032043.3 (MANE Select); coding-DNA position 786, G replaced by T.
Protein change: p.Glu262Asp; replaces glutamic acid 262 with aspartic acid.
Molecular consequence: missense variant.
Genome position (GRCh38, 1-based): chr17:61,808,599, C>A on the plus strand (G>T on the coding strand, the complement: BRIP1 is on the minus strand). VCF-style: chr17-61808599-C-A. GRCh37 (hg19) VCF-style: chr17-59885960-C-A.
Other names: short protein forms E262D.
Identifiers: ClinVar variation 2038627 (VCV002038627.5), dbSNP rs876658312, ClinGen allele CA400484910.

ClinVar aggregate classification (germline): Uncertain significance. Review status: criteria provided, multiple submitters, no conflicts (2 of 4 stars). 2 submissions from 2 submitters: Uncertain significance (2). Last evaluated 2025-04-05.

Conditions:
Fanconi anemia complementation group J. Also called: BRIP1-Related Fanconi Anemia. Identifiers: Orphanet 84, MedGen C1836860, MONDO:0012187, OMIM 609054.
Familial cancer of breast. Also called: Hereditary breast cancer; hereditary breast carcinoma; BREAST CANCER, FAMILIAL. Identifiers: Orphanet 227535, MedGen C0346153, MONDO:0016419, OMIM 114480. Disease mechanism: loss of function.
Hereditary cancer-predisposing syndrome. Also called: Hereditary Cancer Syndrome; Tumor predisposition; Neoplastic Syndromes, Hereditary; Hereditary neoplastic syndrome. Identifiers: Orphanet 140162, MedGen C0027672, MeSH D009386, MONDO:0015356.

gnomAD v4.1: 1 of 1,613,984 alleles (0.000062%); highest among the groups gnomAD compares: Admixed American, 0.0017%; no homozygotes.

Submissions (2):

Ambry Genetics
Classification: Uncertain significance for Hereditary cancer-predisposing syndrome. Last evaluated: 2025-04-05. Review status: criteria provided, single submitter. Criteria: Ambry Variant Classification Scheme 2023. Collection method: clinical testing. Allele origin: germline.
Comment: The p.E262D variant (also known as c.786G>T), located in coding exon 6 of the BRIP1 gene, results from a G to T substitution at nucleotide position 786. The glutamic acid at codon 262 is replaced by aspartic acid, an amino acid with highly similar properties. This amino acid position is conserved. In addition, this alteration is predicted to be deleterious by in silico analysis. Based on the available evidence, the clinical significance of this variant remains unclear.

Labcorp Genetics (formerly Invitae), Labcorp
Classification: Uncertain significance for Familial cancer of breast; Fanconi anemia complementation group J. Last evaluated: 2024-07-17. Review status: criteria provided, single submitter. Criteria: Invitae Variant Classification Sherloc (09022015). Collection method: clinical testing. Allele origin: germline.
Comment: This sequence change replaces glutamic acid, which is acidic and polar, with aspartic acid, which is acidic and polar, at codon 262 of the BRIP1 protein (p.Glu262Asp). This variant is not present in population databases (gnomAD no frequency). This variant has not been reported in the literature in individuals affected with BRIP1-related conditions. ClinVar contains an entry for this variant (Variation ID: 2038627). Advanced modeling of protein sequence and biophysical properties (such as structural, functional, and spatial information, amino acid conservation, physicochemical variation, residue mobility, and thermodynamic stability) performed at Invitae indicates that this missense variant is expected to disrupt BRIP1 protein function with a positive predictive value of 80%. In summary, the available evidence is currently insufficient to determine the role of this variant in disease. Therefore, it has been classified as a Variant of Uncertain Significance.